The following is an entry in ClinVar:

ClinVar aggregate classification (germline): Conflicting classifications of pathogenicity. Review status: criteria provided, conflicting classifications (1 of 4 stars). 14 submissions from 14 submitters: Likely pathogenic (1); Uncertain significance (10); Likely benign (1). 2 of the submissions do not count toward it. Last evaluated 2026-07-01.

Conditions:
PRF1-related disorder. Also called: PRF1-related condition.
Familial hemophagocytic lymphohistiocytosis 2 (FHL2). Also called: PRF1-Related Familial Hemophagocytic Lymphohistiocytosis (PRF1-fHLH). Identifiers: Orphanet 540, MedGen C1863727, MONDO:0011337, OMIM 603553.
Autoinflammatory syndrome. Identifiers: Orphanet 93665, MedGen C3890737, MONDO:0019751.
Inborn genetic diseases. Identifiers: MedGen C0950123, MeSH D030342.

Allele frequency attached by ClinVar (database versions not stated): 1000 Genomes Project 30x 0.00047; 1000 Genomes Project 0.00060; ESP Exome Variant Server 0.00062; TOPMed 0.00068; gnomAD 0.00073 and 0.00074; gnomAD exomes 0.00073 and 0.00114; ExAC 0.00081.
gnomAD v4.1: 1,743 of 1,614,020 alleles (0.11%); highest among the groups gnomAD compares: Non-Finnish European, 0.13%; 4 homozygotes.

Submissions (14):

CeGaT Center for Human Genetics Tuebingen
Classification: Likely benign. Last evaluated: 2026-07-01. Review status: criteria provided, single submitter. Criteria: CeGaT Center For Human Genetics Tuebingen Variant Classification Criteria Version 2. Collection method: clinical testing. Allele origin: germline. Affected: yes. Observed: 1 variant allele.
Comment: PRF1: BP4

PreventionGenetics, part of Exact Sciences
Classification: Uncertain significance for PRF1-related condition. Last evaluated: 2025-11-18. Review status: criteria provided, single submitter. Criteria: ACMG Guidelines, 2015. Collection method: clinical testing. Allele origin: germline.
Comment: The PRF1 c.1310C>T variant is predicted to result in the amino acid substitution p.Ala437Val. This variant was reported in an individuals with features of familial hemophagocytic lymphohistiocytosis and in an infant with acute liver failure (Zhang et al. 2011. PubMed ID: 21881043; Zhang et al. 2014. PubMed ID: 24916509; Bloch et al. 2023. PubMed ID: 37678575; Willig et al. 2015. PubMed ID: 25937001). This variant is reported in 0.11% of alleles in individuals of European (Non-Finnish) descent in gnomAD. This variant has conflicting interpretations in ClinVar ranging from likely pathogenic to uncertain (Variation ID: 300327). At this time, the clinical significance of this variant is uncertain due to the absence of conclusive functional and genetic evidence.

Women's Health and Genetics/Laboratory Corporation of America, LabCorp
Classification: Uncertain significance. Last evaluated: 2025-08-15. Review status: criteria provided, single submitter. Criteria: LabCorp Variant Classification Summary - May 2015. Collection method: clinical testing. Allele origin: germline.
Comment: Variant summary: PRF1 c.1310C>T (p.Ala437Val) results in a non-conservative amino acid change located in the C2 domain (IPR000008) of the encoded protein sequence. Algorithms developed to predict the effect of missense changes on protein structure and function all suggest that this variant is likely to be disruptive. The variant allele was found at a frequency of 0.00073 in 250636 control chromosomes. This frequency is not significantly higher than estimated for a pathogenic variant in PRF1 causing Familial Hemophagocytic Lymphohistiocytosis (0.00073 vs 0.0027), allowing no conclusion about variant significance. c.1310C>T has been reported in the literature as a non-informative genotype (second allele not specified) or in a proposed model of synergistic heterozygosity with a heterozygous variant in a different gene in individuals affected with features of Familial Hemophagocytic Lymphohistiocytosis (FHL)/Primary Lymphoma with a family history of FHL/Omphalocele and Liver failure (e.g. Zhang_2011, 2014, Dolji_2015, Willig_2015, Noll_2016, Bloch_2024). These reports do not provide unequivocal conclusions about association of the variant with Familial Hemophagocytic Lymphohistiocytosis. To our knowledge, no experimental evidence demonstrating an impact on protein function has been reported. The following publications have been ascertained in the context of this evaluation (PMID: 24916509, 25845254, 29263817, 34938098, 21881043, 25937001, 37678575). ClinVar contains an entry for this variant (Variation ID: 300327). Based on the evidence outlined above, the variant was classified as uncertain significance.

Dasa
Classification: Uncertain significance. Last evaluated: 2025-05-16. Review status: criteria provided, single submitter. Criteria: DASA Assertion Criteria. Collection method: clinical testing. Allele origin: germline.
Comment: NM_001083116.3(PRF1):c.1310C>T (p.Ala437Val) is a missense variant that results in the substitution of alanine with valine. This variant has been recurrently observed in individuals with PRF1-related disorders (PMID: 25937001; PMID: 24916509). This classification is supported by population frequency inconsistent with a disease-causing role. The currently available literature and clinical evidence are not sufficient to establish a definitive association between this variant and the reported condition. Therefore, this variant is classified as a variant of uncertain significance.

Mayo Clinic Laboratories, Mayo Clinic
Classification: Uncertain significance. Last evaluated: 2025-04-28. Review status: criteria provided, single submitter. Criteria: ACMG Guidelines, 2015. Collection method: clinical testing. Allele origin: germline. Observed: 2 variant alleles.
Comment: BS2, PM3

Blueprint Genetics
Classification: Uncertain significance. Last evaluated: 2024-09-23. Review status: criteria provided, single submitter. Criteria: ACMG Guidelines, 2015. Collection method: clinical testing. Allele origin: germline.

GeneDx
Classification: Uncertain significance. Last evaluated: 2023-10-12. Review status: criteria provided, single submitter. Criteria: GeneDx Variant Classification Process June 2021. Collection method: clinical testing. Allele origin: germline. Affected: yes.
Comment: In silico analysis supports that this missense variant has a deleterious effect on protein structure/function; This variant is associated with the following publications: (PMID: 27153395, 24916509, 21881043, 25845254, 25937001, 29263817)

Labcorp Genetics (formerly Invitae), Labcorp
Classification: Uncertain significance for Familial hemophagocytic lymphohistiocytosis 2. Last evaluated: 2022-10-21. Review status: criteria provided, single submitter. Criteria: Invitae Variant Classification Sherloc (09022015). Collection method: clinical testing. Allele origin: germline.
Comment: This sequence change replaces alanine, which is neutral and non-polar, with valine, which is neutral and non-polar, at codon 437 of the PRF1 protein (p.Ala437Val). This variant is present in population databases (rs138126912, gnomAD 0.1%), and has an allele count higher than expected for a pathogenic variant. This missense change has been observed in individual(s) with suspected familial hemophagocytic lymphohistiocytosis (HLH), atypical HLH, and/or lymphoma of the brain (PMID: 21881043, 25845254, 25937001, 29263817). ClinVar contains an entry for this variant (Variation ID: 300327). Advanced modeling of protein sequence and biophysical properties (such as structural, functional, and spatial information, amino acid conservation, physicochemical variation, residue mobility, and thermodynamic stability) has been performed at Invitae for this missense variant, however the output from this modeling did not meet the statistical confidence thresholds required to predict the impact of this variant on PRF1 protein function. In summary, the available evidence is currently insufficient to determine the role of this variant in disease. Therefore, it has been classified as a Variant of Uncertain Significance.

Ambry Genetics
Classification: Uncertain significance for Inborn genetic diseases. Last evaluated: 2022-09-28. Review status: criteria provided, single submitter. Criteria: Ambry Variant Classification Scheme 2023. Collection method: clinical testing. Allele origin: germline.
Comment: The c.1310C>T (p.A437V) alteration is located in exon 3 (coding exon 2) of the PRF1 gene. This alteration results from a C to T substitution at nucleotide position 1310, causing the alanine (A) at amino acid position 437 to be replaced by a valine (V). The p.A437V alteration is predicted to be tolerated by in silico analysis. Based on insufficient or conflicting evidence, the clinical significance of this alteration remains unclear.

Institute for Clinical Genetics, University Hospital TU Dresden, University Hospital TU Dresden
Classification: Uncertain significance. Last evaluated: 2021-11-03. Review status: criteria provided, single submitter. Criteria: ACMG Guidelines, 2015. Collection method: clinical testing. Allele origin: germline.

Genome Diagnostics Laboratory, The Hospital for Sick Children
Classification: Uncertain significance for Autoinflammatory syndrome. Last evaluated: 2018-10-01. Review status: criteria provided, single submitter. Criteria: ACMG Guidelines, 2015. Collection method: clinical testing. Allele origin: germline. Affected: yes.

Illumina Laboratory Services, Illumina
Classification: Likely pathogenic for Familial hemophagocytic lymphohistiocytosis 2. Last evaluated: 2017-08-21. Review status: criteria provided, single submitter. Criteria: ICSL Variant Classification Criteria 09 May 2019. Collection method: clinical testing. Allele origin: germline.
Comment: The PRF1 c.1310C>T (p.Ala437Val) missense variant has been reported in five studies in which it was found in a total of six individuals with familial hemophagocytic lymphohistocytosis including in a compound heterozygous state with another missense variant in two individuals and in a heterozygous state where a second variant was not detected in four individuals including one sib-pair. The variant was also found in a heterozygous state in the unaffected father of the sib-pair (Zhang et al. 2011; Zhang et al. 2014; Willig et al. 2015; DÅ¾oljiÄ‡ et al. 2015). Control data are unavailable for this variant which is reported at a frequency of 0.00121 in the European (non-Finnish) population of the Exome Aggregation Consortium. Functional studies showed that the p.Ala437Val variant results in absent NK-cell function and 61% of normal perforin levels (Zhang et al. 2011). Based on the evidence, the p.Ala437Val variant is classified as likely pathogenic for familial hemophagocytic lymphohistocytosis. This variant was observed by ICSL as part of a predisposition screen in an ostensibly healthy population.

Clinical Genetics DNA and cytogenetics Diagnostics Lab, Erasmus MC, Erasmus Medical Center
Classification: Uncertain significance. Review status: no assertion criteria provided. Collection method: clinical testing. Allele origin: germline. Affected: yes. Study: VKGL Data-share Consensus. Not counted in ClinVar's aggregate classification.

Diagnostic Laboratory, Department of Genetics, University Medical Center Groningen
Classification: Uncertain significance. Review status: no assertion criteria provided. Collection method: clinical testing. Allele origin: germline. Affected: yes. Study: VKGL Data-share Consensus. Not counted in ClinVar's aggregate classification.

Literature cited by the submitters: PubMed 25937001 (cited by 5 submitters); PubMed 25845254 (cited by 5 submitters); PubMed 29263817 (cited by 4 submitters); PubMed 34938098 (cited by Women's Health and Genetics/Laboratory Corporation of America, LabCorp and Mayo Clinic Laboratories, Mayo Clinic); PubMed 21881043 (cited by 5 submitters); PubMed 37678575 (cited by Women's Health and Genetics/Laboratory Corporation of America, LabCorp); PubMed 24916509 (cited by 3 submitters); PubMed 29216683 (cited by Mayo Clinic Laboratories, Mayo Clinic); PubMed 38212754 (cited by Mayo Clinic Laboratories, Mayo Clinic); PubMed 38810947 (cited by Mayo Clinic Laboratories, Mayo Clinic); PubMed 40090000 (cited by Mayo Clinic Laboratories, Mayo Clinic).

NM_001083116.3(PRF1):c.1310C>T (p.Ala437Val)

Gene: PRF1 (perforin 1; minus strand). Cytogenetic location: 10q22.1.
Variant type: single nucleotide variant.
Coding change: c.1310C>T on transcript NM_001083116.3 (MANE Select); coding-DNA position 1310, C replaced by T.
Protein change: p.Ala437Val; replaces alanine 437 with valine.
Molecular consequence: missense variant.
Genome position (GRCh38, 1-based): chr10:70,598,411, G>A on the plus strand (C>T on the coding strand, the complement: PRF1 is on the minus strand). VCF-style: chr10-70598411-G-A. GRCh37 (hg19) VCF-style: chr10-72358167-G-A.
Other names: p.Ala437Val; c.1310C>T, p.Ala437Val (NM_005041.6); short protein forms A437V.
Identifiers: ClinVar variation 300327 (VCV000300327.32), dbSNP rs138126912, ClinGen allele CA5538773.